The following is an entry in ClinVar:

ClinVar aggregate classification (germline): Likely benign (1 of 4 stars; one submission).

Allele frequency attached by ClinVar (database versions not stated): gnomAD exomes 0.00009; ESP Exome Variant Server 0.00047; gnomAD 0.00076; TOPMed 0.00086; ExAC 0.00021; 1000 Genomes Project 30x 0.00042.
gnomAD v4.1: 183 of 1,208,666 alleles (0.015%); highest among the groups gnomAD compares: African/African-American, 0.24%; no homozygotes.

Submission:

CeGaT Center for Human Genetics Tuebingen
Classification: Likely benign. Last evaluated: 2022-07-01. Review status: criteria provided, single submitter. Criteria: CeGaT Center For Human Genetics Tuebingen Variant Classification Criteria Version 2. Collection method: clinical testing. Allele origin: germline. Affected: yes. Observed: 1 variant allele.
Comment: MAGEB2: BP4, BP7

NM_002364.5(MAGEB2):c.393C>T (p.Ser131=)

Gene: MAGEB2 (MAGE family member B2; plus strand). Cytogenetic location: Xp21.2.
Variant type: single nucleotide variant.
Coding change: c.393C>T on transcript NM_002364.5 (MANE Select); coding-DNA position 393, C replaced by T.
Protein change: p.Ser131=; no amino-acid change (serine 131 retained).
Molecular consequence: synonymous variant.
Genome position (GRCh38, 1-based): chrX:30,218,973, C>T. VCF-style: chrX-30218973-C-T. GRCh37 (hg19) VCF-style: chrX-30237090-C-T.
Identifiers: ClinVar variation 2660223 (VCV002660223.24), dbSNP rs139272287, ClinGen allele CA10375731.
Genomic context (GRCh38, chrX:30,218,973, plus strand): 5'-AACCAGGAAGTCAGGGTCGTTGGTGCAGTTCCTGTTGTACAAGTATAAAATAAAAAAGTC[C>T]GTTACAAAGGGAGAAATGCTGAAAATTGTTGGCAAAAGGTTCAGGGAGCACTTCCCTGAG-3'
Protein context (NP_002355.2, residues 121-141): FLLYKYKIKK[Ser131=]VTKGEMLKIV